The following is an entry in ClinVar:

NM_022788.5(P2RY12):c.260_261del (p.Leu87fs)

Genes: MED12L (mediator complex subunit 12L; plus strand), P2RY12 (purinergic receptor P2Y12; minus strand). Cytogenetic location: 3q25.1.
Variant type: Deletion.
Coding change: c.260_261del on transcript NM_022788.5 (MANE Select); coding-DNA positions 260 to 261, 2 bases deleted (TG; older notation c.260_261delTG).
Protein change: p.Leu87fs; shifts the reading frame from leucine 87.
Molecular consequence: frameshift variant. On other transcripts: intron variant (2).
Genome position (GRCh38, 1-based): chr3:151,338,585-151,338,586, CA deleted on the plus strand (TG on the coding strand, the reverse complement: P2RY12 is on the minus strand). VCF-style (leftmost placement, unchanged base first): chr3-151338584-CCA-C. GRCh37 (hg19) VCF-style: chr3-151056372-CCA-C.
Other names: c.260_261del, p.Leu87fs (NM_176876.3); c.2251-11474_2251-11473del (NM_001393769.1); c.2146-11474_2146-11473del (NM_053002.6); c.260_261delTG (NM_022788.5); short protein forms L87fs.
Identifiers: ClinVar variation 4887750 (VCV004887750.1).

ClinVar aggregate classification (germline): Uncertain significance (1 of 4 stars; one submission).

Submission:

Women's Health and Genetics/Laboratory Corporation of America, LabCorp
Classification: Uncertain significance. Last evaluated: 2026-06-22. Review status: criteria provided, single submitter. Criteria: LabCorp Variant Classification Summary - May 2015. Collection method: clinical testing. Allele origin: germline.
Comment: Variant summary: P2RY12 c.260_261delTG (p.Leu87ArgfsX44) results in a premature termination codon, predicted to cause a truncation of the encoded protein or absence of the protein due to nonsense mediated decay, however current evidence is not sufficient to establish loss of function as a mechanism for disease. The variant was absent in 250936 control chromosomes. The available data on variant occurrences in the general population are insufficient to allow any conclusion about variant significance. To our knowledge, no occurrence of c.260_261delTG in individuals affected with P2RY12-related conditions and no experimental evidence demonstrating its impact on protein function have been reported. No submitters have cited clinical-significance assessments for this variant to ClinVar. Based on the evidence outlined above, the variant was classified as uncertain significance.